The following is an entry in ClinVar:

ClinVar aggregate classification (germline): Uncertain significance (1 of 4 stars; one submission).

Conditions:
Intellectual developmental disorder, X-linked 1. Also called: Atkin Flaitz Patil Smith syndrome; MENTAL RETARDATION, X-LINKED 18; MENTAL RETARDATION, X-LINKED 78; Intellectual disability, X-linked 1. Identifiers: Orphanet 777, MedGen C2931498, MONDO:0010656, OMIM 309530.

Submission:

Labcorp Genetics (formerly Invitae), Labcorp
Classification: Uncertain significance for Intellectual developmental disorder, X-linked 1. Last evaluated: 2025-06-14. Review status: criteria provided, single submitter. Criteria: Invitae Variant Classification Sherloc (09022015). Collection method: clinical testing. Allele origin: germline.
Comment: This sequence change replaces leucine, which is neutral and non-polar, with valine, which is neutral and non-polar, at codon 908 of the IQSEC2 protein (p.Leu908Val). This variant is not present in population databases (gnomAD no frequency). This variant has not been reported in the literature in individuals affected with IQSEC2-related conditions. Invitae Evidence Modeling of protein sequence and biophysical properties (such as structural, functional, and spatial information, amino acid conservation, physicochemical variation, residue mobility, and thermodynamic stability) indicates that this missense variant is not expected to disrupt IQSEC2 protein function with a negative predictive value of 95%. In summary, the available evidence is currently insufficient to determine the role of this variant in disease. Therefore, it has been classified as a Variant of Uncertain Significance.

NM_001111125.3(IQSEC2):c.2722C>G (p.Leu908Val)

Gene: IQSEC2 (IQ motif and Sec7 domain ArfGEF 2; minus strand). Cytogenetic location: Xp11.22.
Variant type: single nucleotide variant.
Coding change: c.2722C>G on transcript NM_001111125.3 (MANE Select); coding-DNA position 2722, C replaced by G.
Protein change: p.Leu908Val; replaces leucine 908 with valine.
Molecular consequence: missense variant.
Genome position (GRCh38, 1-based): chrX:53,246,996, G>C on the plus strand (C>G on the coding strand, the complement: IQSEC2 is on the minus strand). VCF-style: chrX-53246996-G-C. GRCh37 (hg19) VCF-style: chrX-53276178-G-C.
Other names: c.2722C>G, p.Leu908Val (NM_001410736.1, NM_001441092.1); c.2224C>G, p.Leu742Val (NM_001441093.1); c.2011C>G, p.Leu671Val (NM_001441094.1, NM_001441095.1); c.2107C>G, p.Leu703Val (NM_015075.2); short protein forms L671V, L703V, L742V, L908V.
Identifiers: ClinVar variation 4737105 (VCV004737105.1).